The following is an entry in ClinVar:

NM_004519.4(KCNQ3):c.951T>G (p.Ile317Met)

Gene: KCNQ3 (potassium voltage-gated channel subfamily Q member 3; minus strand). Cytogenetic location: 8q24.22.
Variant type: single nucleotide variant.
Coding change: c.951T>G on transcript NM_004519.4 (MANE Select); coding-DNA position 951, T replaced by G.
Protein change: p.Ile317Met; replaces isoleucine 317 with methionine.
Molecular consequence: missense variant.
Genome position (GRCh38, 1-based): chr8:132,174,332, A>C on the plus strand (T>G on the coding strand, the complement: KCNQ3 is on the minus strand). VCF-style: chr8-132174332-A-C. GRCh37 (hg19) VCF-style: chr8-133186579-A-C.
Other names: c.591T>G, p.Ile197Met (NM_001204824.2); short protein forms I197M, I317M.
Identifiers: ClinVar variation 1466336 (VCV001466336.6), dbSNP rs2130128566, ClinGen allele CA372290243.

ClinVar aggregate classification (germline): Likely pathogenic (1 of 4 stars; one submission).

Conditions:
Benign neonatal seizures. Also called: Benign familial neonatal epilepsy; Benign neonatal familial convulsions; Convulsions benign familial neonatal dominant form; Autosomal dominant form of benign neonatal seizures; Benign familial neonatal seizures. Identifiers: Orphanet 1949, MedGen C0220669, MONDO:0016027.

Submission:

Labcorp Genetics (formerly Invitae), Labcorp
Classification: Likely pathogenic for Benign neonatal seizures. Last evaluated: 2021-08-26. Review status: criteria provided, single submitter. Criteria: Invitae Variant Classification Sherloc (09022015). Collection method: clinical testing. Allele origin: germline.
Comment: In summary, the currently available evidence indicates that the variant is pathogenic, but additional data are needed to prove that conclusively. Therefore, this variant has been classified as Likely Pathogenic. This variant disrupts the p.Ile317 amino acid residue in KCNQ3. Other variant(s) that disrupt this residue have been determined to be pathogenic (PMID: 24375629; Invitae). This suggests that this residue is clinically significant, and that variants that disrupt this residue are likely to be disease-causing. Advanced modeling of protein sequence and biophysical properties (such as structural, functional, and spatial information, amino acid conservation, physicochemical variation, residue mobility, and thermodynamic stability) performed at Invitae indicates that this missense variant is expected to disrupt KCNQ3 protein function. This variant has not been reported in the literature in individuals affected with KCNQ3-related conditions. This variant is not present in population databases (ExAC no frequency). This sequence change replaces isoleucine with methionine at codon 317 of the KCNQ3 protein (p.Ile317Met). The isoleucine residue is moderately conserved and there is a small physicochemical difference between isoleucine and methionine.

Literature cited by the submitters: PubMed 24375629.